The following is an entry in ClinVar:

NM_182548.4(LHFPL5):c.368C>T (p.Thr123Met)

Gene: LHFPL5 (LHFPL tetraspan subfamily member 5; plus strand). Cytogenetic location: 6p21.31.
Variant type: single nucleotide variant.
Coding change: c.368C>T on transcript NM_182548.4 (MANE Select); coding-DNA position 368, C replaced by T.
Protein change: p.Thr123Met; replaces threonine 123 with methionine.
Molecular consequence: missense variant.
Genome position (GRCh38, 1-based): chr6:35,806,038, C>T. VCF-style: chr6-35806038-C-T. GRCh37 (hg19) VCF-style: chr6-35773815-C-T.
Other names: c.368C>T (NM_182548.3); short protein forms T123M.
Identifiers: ClinVar variation 1988375 (VCV001988375.6), dbSNP rs753328267, ClinGen allele CA3774383.

ClinVar aggregate classification (germline): Uncertain significance. Review status: criteria provided, multiple submitters, no conflicts (2 of 4 stars). 2 submissions from 2 submitters: Uncertain significance (2). Last evaluated 2026-06-16.

Allele frequency attached by ClinVar (database versions not stated): ExAC 0.00001; gnomAD exomes 0.00001; TOPMed 0.00002.
gnomAD v4.1: 20 of 1,614,206 alleles (0.0012%); highest among the groups gnomAD compares: Admixed American, 0.0033%; no homozygotes.

Submissions (2):

GeneDx
Classification: Uncertain significance. Last evaluated: 2026-06-16. Review status: criteria provided, single submitter. Criteria: GeneDx Variant Classification Process June 2021. Collection method: clinical testing. Allele origin: germline.
Comment: Not observed at significant frequency in large population cohorts (gnomAD); In silico analysis supports that this missense variant has a deleterious effect on protein structure/function; Has not been previously published as pathogenic or benign to our knowledge

Labcorp Genetics (formerly Invitae), Labcorp
Classification: Uncertain significance. Last evaluated: 2025-08-18. Review status: criteria provided, single submitter. Criteria: Invitae Variant Classification Sherloc (09022015). Collection method: clinical testing. Allele origin: germline.
Comment: This sequence change replaces threonine, which is neutral and polar, with methionine, which is neutral and non-polar, at codon 123 of the LHFPL5 protein (p.Thr123Met). This variant is present in population databases (rs753328267, gnomAD 0.0009%). This variant has not been reported in the literature in individuals affected with LHFPL5-related conditions. ClinVar contains an entry for this variant (Variation ID: 1988375). An algorithm developed to predict the effect of missense changes on protein structure and function (PolyPhen-2) suggests that this variant is likely to be disruptive. In summary, the available evidence is currently insufficient to determine the role of this variant in disease. Therefore, it has been classified as a Variant of Uncertain Significance.